The following is an entry in ClinVar:

ClinVar aggregate classification (germline): Uncertain significance. Review status: criteria provided, multiple submitters, no conflicts (2 of 4 stars). 2 submissions from 2 submitters: Uncertain significance (2). Last evaluated 2025-08-22.

Conditions:
Congenital disorder of glycosylation (CDG). Also called: Congenital disorders of glycosylation; Carbohydrate-deficient glycoprotein syndrome. Identifiers: Orphanet 137, MedGen C0282577, MONDO:0015286.

Allele frequency attached by ClinVar (database versions not stated): gnomAD exomes 0.00003; ExAC 0.00010; 1000 Genomes Project 0.00020; TOPMed 0.00023; gnomAD 0.00025; ESP Exome Variant Server 0.00038; 1000 Genomes Project 30x 0.00047.
gnomAD v4.1: 83 of 1,614,104 alleles (0.0051%); highest among the groups gnomAD compares: African/African-American, 0.088%; no homozygotes.

Submissions (2):

Ambry Genetics
Classification: Uncertain significance. Last evaluated: 2025-08-22. Review status: criteria provided, single submitter. Criteria: Ambry Variant Classification Scheme 2023. Collection method: clinical testing. Allele origin: germline.

Labcorp Genetics (formerly Invitae), Labcorp
Classification: Uncertain significance for Congenital disorder of glycosylation. Last evaluated: 2023-11-27. Review status: criteria provided, single submitter. Criteria: Invitae Variant Classification Sherloc (09022015). Collection method: clinical testing. Allele origin: germline.
Comment: This sequence change replaces isoleucine, which is neutral and non-polar, with methionine, which is neutral and non-polar, at codon 578 of the RPN2 protein (p.Ile578Met). This variant is present in population databases (rs150308233, gnomAD 0.09%), and has an allele count higher than expected for a pathogenic variant. This variant has not been reported in the literature in individuals affected with RPN2-related conditions. ClinVar contains an entry for this variant (Variation ID: 2078960). An algorithm developed to predict the effect of missense changes on protein structure and function (PolyPhen-2) suggests that this variant is likely to be disruptive. In summary, the available evidence is currently insufficient to determine the role of this variant in disease. Therefore, it has been classified as a Variant of Uncertain Significance.

NM_002951.5(RPN2):c.1734A>G (p.Ile578Met)

Gene: RPN2 (ribophorin II; plus strand). Cytogenetic location: 20q11.23.
Variant type: single nucleotide variant.
Coding change: c.1734A>G on transcript NM_002951.5 (MANE Select); coding-DNA position 1734, A replaced by G.
Protein change: p.Ile578Met; replaces isoleucine 578 with methionine.
Molecular consequence: missense variant.
Genome position (GRCh38, 1-based): chr20:37,234,076, A>G. VCF-style: chr20-37234076-A-G. GRCh37 (hg19) VCF-style: chr20-35862479-A-G.
Other names: c.1638A>G, p.Ile546Met (NM_001135771.3, NM_001324299.2, NM_001324302.2); c.1782A>G, p.Ile594Met (NM_001324301.2, NM_001324305.2); c.1734A>G, p.Ile578Met (NM_001324303.2, NM_001324304.2); c.1263A>G, p.Ile421Met (NM_001324306.2); c.1734A>G (NM_002951.3); short protein forms I421M, I546M, I578M, I594M.
Identifiers: ClinVar variation 2078960 (VCV002078960.7), dbSNP rs150308233, ClinGen allele CA9847294.
Genomic context (GRCh38, chr20:37,234,076, plus strand): 5'-TCAGTGGATCCGGATTGGTGCCAATGTCTCCAACTTCACTTTTGCTCCTAGCACGATTAT[A>G]TTTCACCTGGGACATGCTGGTAAGTGCCCCAGGCTGCTAATTACCTGTAACGTCCTCTGA-3'
Protein context (NP_002942.2, residues 568-588): SNFTFAPSTI[Ile578Met]FHLGHAAMLG